The following is an entry in ClinVar:

ClinVar aggregate classification (germline): Uncertain significance (1 of 4 stars; one submission).

Conditions:
Inborn genetic diseases. Identifiers: MedGen C0950123, MeSH D030342.

Submission:

Ambry Genetics
Classification: Uncertain significance for Inborn genetic diseases. Last evaluated: 2024-11-17. Review status: criteria provided, single submitter. Criteria: Ambry Variant Classification Scheme 2023. Collection method: clinical testing. Allele origin: germline.
Comment: The p.D1994Y variant (also known as c.5980G>T), located in coding exon 41 of the LRRK2 gene, results from a G to T substitution at nucleotide position 5980. The aspartic acid at codon 1994 is replaced by tyrosine, an amino acid with highly dissimilar properties. This amino acid position is conserved. In addition, this alteration is predicted to be deleterious by in silico analysis. Based on the available evidence, the clinical significance of this variant remains unclear.

NM_198578.4(LRRK2):c.5980G>T (p.Asp1994Tyr)

Gene: LRRK2 (leucine rich repeat kinase 2; plus strand). Cytogenetic location: 12q12.
Variant type: single nucleotide variant.
Coding change: c.5980G>T on transcript NM_198578.4 (MANE Select); coding-DNA position 5980, G replaced by T.
Protein change: p.Asp1994Tyr; replaces aspartic acid 1994 with tyrosine.
Molecular consequence: missense variant.
Genome position (GRCh38, 1-based): chr12:40,340,325, G>T. VCF-style: chr12-40340325-G-T. GRCh37 (hg19) VCF-style: chr12-40734127-G-T.
Other names: short protein forms D1994Y.
Identifiers: ClinVar variation 3540796 (VCV003540796.1).